The following is an entry in ClinVar:

ClinVar aggregate classification (germline): Uncertain significance. Review status: criteria provided, multiple submitters, no conflicts (2 of 4 stars). 2 submissions from 2 submitters: Uncertain significance (2). Last evaluated 2025-10-24.

Conditions:
Inborn genetic diseases. Identifiers: MedGen C0950123, MeSH D030342.

Allele frequency attached by ClinVar (database versions not stated): gnomAD exomes below 0.00001; ExAC 0.00001; TOPMed 0.00002; gnomAD 0.00003 and 0.00004.
gnomAD v4.1: 38 of 1,613,926 alleles (0.0024%); highest among the groups gnomAD compares: Admixed American, 0.0083%; no homozygotes.

Submissions (2):

Labcorp Genetics (formerly Invitae), Labcorp
Classification: Uncertain significance. Last evaluated: 2025-10-24. Review status: criteria provided, single submitter. Criteria: Invitae Variant Classification Sherloc (09022015). Collection method: clinical testing. Allele origin: germline.
Comment: This sequence change replaces threonine, which is neutral and polar, with methionine, which is neutral and non-polar, at codon 1352 of the MYO7A protein (p.Thr1352Met). This variant is present in population databases (rs754971234, gnomAD 0.003%). This variant has not been reported in the literature in individuals affected with MYO7A-related conditions. ClinVar contains an entry for this variant (Variation ID: 1429858). Invitae Evidence Modeling of protein sequence and biophysical properties (such as structural, functional, and spatial information, amino acid conservation, physicochemical variation, residue mobility, and thermodynamic stability) indicates that this missense variant is not expected to disrupt MYO7A protein function with a negative predictive value of 95%. In summary, the available evidence is currently insufficient to determine the role of this variant in disease. Therefore, it has been classified as a Variant of Uncertain Significance.

Ambry Genetics
Classification: Uncertain significance for Inborn genetic diseases. Last evaluated: 2022-10-25. Review status: criteria provided, single submitter. Criteria: Ambry Variant Classification Scheme 2023. Collection method: clinical testing. Allele origin: germline.

NM_000260.4(MYO7A):c.4055C>T (p.Thr1352Met)

Gene: MYO7A (myosin VIIA; plus strand). Cytogenetic location: 11q13.5.
Variant type: single nucleotide variant.
Coding change: c.4055C>T on transcript NM_000260.4 (MANE Select); coding-DNA position 4055, C replaced by T.
Protein change: p.Thr1352Met; replaces threonine 1352 with methionine.
Molecular consequence: missense variant.
Genome position (GRCh38, 1-based): chr11:77,192,181, C>T. VCF-style: chr11-77192181-C-T. GRCh37 (hg19) VCF-style: chr11-76903226-C-T.
Other names: c.4055C>T, p.Thr1352Met (NM_001127180.2); c.4022C>T, p.Thr1341Met (NM_001369365.1); c.4055C>T (NM_000260.3); short protein forms T1352M, T1341M.
Identifiers: ClinVar variation 1429858 (VCV001429858.7), dbSNP rs754971234, ClinGen allele CA6198304.